The following is an entry in ClinVar:

NM_000481.4(AMT):c.258+6C>G

Gene: AMT (aminomethyltransferase; minus strand). Cytogenetic location: 3p21.31.
Variant type: single nucleotide variant.
Coding change: c.258+6C>G on transcript NM_000481.4 (MANE Select); 6 bases into the intron after coding-DNA position 258, C replaced by G.
Molecular consequence: intron variant.
Genome position (GRCh38, 1-based): chr3:49,422,098, G>C on the plus strand (C>G on the coding strand, the complement: AMT is on the minus strand). VCF-style: chr3-49422098-G-C. GRCh37 (hg19) VCF-style: chr3-49459531-G-C.
Other names: c.90+263C>G (NM_001164711.2); c.258+6C>G (NM_001164710.2, NM_001164712.2).
Identifiers: ClinVar variation 1427442 (VCV001427442.5), dbSNP rs1451725049, ClinGen allele CA2573137086.

ClinVar aggregate classification (germline): Uncertain significance (1 of 4 stars; one submission).

Conditions:
Glycine encephalopathy. Also called: Nonketotic hyperglycinemia; Non-ketotic hyperglycinemia. Identifiers: Orphanet 407, MedGen C0751748, MONDO:0011612, HP:0008288.

Allele frequency attached by ClinVar (database versions not stated): gnomAD exomes below 0.00001.
gnomAD v4.1: 1 of 1,613,424 alleles (0.000062%); highest among the groups gnomAD compares: Non-Finnish European, 0.000085%; no homozygotes.

Submission:

Labcorp Genetics (formerly Invitae), Labcorp
Classification: Uncertain significance for Glycine encephalopathy. Last evaluated: 2020-12-10. Review status: criteria provided, single submitter. Criteria: Invitae Variant Classification Sherloc (09022015). Collection method: clinical testing. Allele origin: germline.
Comment: This sequence change falls in intron 2 of the AMT gene. It does not directly change the encoded amino acid sequence of the AMT protein. It affects a nucleotide within the consensus splice site of the intron. This variant is not present in population databases (ExAC no frequency). This variant has not been reported in the literature in individuals with AMT-related conditions. Nucleotide substitutions within the consensus splice site are a relatively common cause of aberrant splicing (PMID: 17576681, 9536098). Algorithms developed to predict the effect of sequence changes on RNA splicing suggest that this variant is not likely to affect RNA splicing, but this prediction has not been confirmed by published transcriptional studies. In summary, the available evidence is currently insufficient to determine the role of this variant in disease. Therefore, it has been classified as a Variant of Uncertain Significance.

Literature cited by the submitters: PubMed 17576681; PubMed 9536098.